The following is an entry in ClinVar:

ClinVar aggregate classification (germline): Uncertain significance. Review status: criteria provided, multiple submitters, no conflicts (2 of 4 stars). 5 submissions from 3 submitters: Uncertain significance (5). Last evaluated 2022-01-28.

Conditions:
Charcot-Marie-Tooth disease axonal type 2X. Also called: CHARCOT-MARIE-TOOTH DISEASE, AXONAL, AUTOSOMAL RECESSIVE, TYPE 2X; CHARCOT-MARIE-TOOTH NEUROPATHY, TYPE 2X. Identifiers: Orphanet 466775, MedGen C5569024, MONDO:0014726, OMIM 616668.
Amyotrophic lateral sclerosis type 5 (ALS5). Also called: AMYOTROPHIC LATERAL SCLEROSIS 5, JUVENILE. Identifiers: Orphanet 300605, MedGen C1865864, MONDO:0011196, OMIM 602099.
Hereditary spastic paraplegia 11. Also called: Spastic Paraplegia 11; Spastic paraplegia, mental retardation and thin corpus callosum; Nakamura Osame syndrome; Autosomal recessive hereditary spastic paraplegia, mental impairment, and thin corpus callosum; SPASTIC PARAPLEGIA, AUTOSOMAL RECESSIVE, COMPLICATED, WITH THIN CORPUS CALLOSUM; SPASTIC PARAPLEGIA, AUTOSOMAL RECESSIVE, WITH MENTAL IMPAIRMENT AND THIN CORPUS CALLOSUM. Identifiers: Orphanet 2822, MedGen C1858479, MONDO:0011445, OMIM 604360.

Allele frequency attached by ClinVar (database versions not stated): gnomAD exomes below 0.00001 and 0.00001; TOPMed 0.00001.
gnomAD v4.1: 7 of 1,614,064 alleles (0.00043%); highest among the groups gnomAD compares: Non-Finnish European, 0.000085%; no homozygotes.

Submissions (5):

Labcorp Genetics (formerly Invitae), Labcorp
Classification: Uncertain significance for Hereditary spastic paraplegia 11. Last evaluated: 2022-01-28. Review status: criteria provided, single submitter. Criteria: Invitae Variant Classification Sherloc (09022015). Collection method: clinical testing. Allele origin: germline.
Comment: This sequence change replaces asparagine, which is neutral and polar, with lysine, which is basic and polar, at codon 1369 of the SPG11 protein (p.Asn1369Lys). This variant is present in population databases (rs200700774, gnomAD 0.002%). This variant has not been reported in the literature in individuals affected with SPG11-related conditions. ClinVar contains an entry for this variant (Variation ID: 1256321). Algorithms developed to predict the effect of missense changes on protein structure and function are either unavailable or do not agree on the potential impact of this missense change (SIFT: "Deleterious"; PolyPhen-2: "Probably Damaging"; Align-GVGD: "Class C15"). In summary, the available evidence is currently insufficient to determine the role of this variant in disease. Therefore, it has been classified as a Variant of Uncertain Significance.

Athena Diagnostics
Classification: Uncertain significance. Last evaluated: 2020-09-21. Review status: criteria provided, single submitter. Criteria: Athena Diagnostics criteria. Collection method: clinical testing. Allele origin: unknown.

Genome-Nilou Lab
Classification: Uncertain significance for Amyotrophic lateral sclerosis type 5. Review status: criteria provided, single submitter. Criteria: ACMG Guidelines, 2015. Collection method: clinical testing. Allele origin: germline.

Genome-Nilou Lab
Classification: Uncertain significance for Charcot-Marie-Tooth disease axonal type 2X. Review status: criteria provided, single submitter. Criteria: ACMG Guidelines, 2015. Collection method: clinical testing. Allele origin: germline.

Genome-Nilou Lab
Classification: Uncertain significance for Hereditary spastic paraplegia 11. Review status: criteria provided, single submitter. Criteria: ACMG Guidelines, 2015. Collection method: clinical testing. Allele origin: germline.

NM_025137.4(SPG11):c.4107T>A (p.Asn1369Lys)

Gene: SPG11 (SPG11 vesicle trafficking associated, spatacsin; minus strand). Cytogenetic location: 15q21.1.
Variant type: single nucleotide variant.
Coding change: c.4107T>A on transcript NM_025137.4 (MANE Select); coding-DNA position 4107, T replaced by A.
Protein change: p.Asn1369Lys; replaces asparagine 1369 with lysine.
Molecular consequence: missense variant.
Genome position (GRCh38, 1-based): chr15:44,596,838, A>T on the plus strand (T>A on the coding strand, the complement: SPG11 is on the minus strand). VCF-style: chr15-44596838-A-T. GRCh37 (hg19) VCF-style: chr15-44889036-A-T.
Other names: c.4107T>A, p.Asn1369Lys (NM_001160227.2); short protein forms N1369K.
Identifiers: ClinVar variation 1256321 (VCV001256321.5), dbSNP rs200700774, ClinGen allele CA270091908.